The following is an entry in ClinVar:

ClinVar aggregate classification (germline): Uncertain significance (1 of 4 stars; one submission).

Conditions:
Developmental and epileptic encephalopathy, 1 (DEE1). Also called: X-linked infantile spasms; West's syndrome; Tonic spasms with clustering, arrest of psychomotor development and hypsarrhythmia on EEG; X-Linked Infantile Spasm Syndrome; OHTAHARA SYNDROME, X-LINKED; Epileptic encephalopathy, early infantile, 1. Identifiers: MedGen C3463992, MONDO:0010632, OMIM 308350. Disease mechanism: loss of function.
Autosomal dominant nonsyndromic hearing loss 65. Also called: Deafness, autosomal dominant 65; TBC1D24-Related Autosomal Dominant Nonsyndromic Hearing Loss (DFNA). Identifiers: Orphanet 90635, MedGen C3892048, MONDO:0014470, OMIM 616044.

Allele frequency attached by ClinVar (database versions not stated): gnomAD exomes below 0.00001; TOPMed below 0.00001; gnomAD 0.00001.
gnomAD v4.1: 4 of 1,584,784 alleles (0.00025%); highest among the groups gnomAD compares: African/African-American, 0.004%; no homozygotes.

Submission:

Labcorp Genetics (formerly Invitae), Labcorp
Classification: Uncertain significance for Developmental and epileptic encephalopathy, 1; Autosomal dominant nonsyndromic hearing loss 65. Last evaluated: 2025-03-29. Review status: criteria provided, single submitter. Criteria: Invitae Variant Classification Sherloc (09022015). Collection method: clinical testing. Allele origin: germline.
Comment: This sequence change replaces methionine, which is neutral and non-polar, with isoleucine, which is neutral and non-polar, at codon 499 of the TBC1D24 protein (p.Met499Ile). This variant is not present in population databases (gnomAD no frequency). This variant has not been reported in the literature in individuals affected with TBC1D24-related conditions. ClinVar contains an entry for this variant (Variation ID: 969282). Invitae Evidence Modeling of protein sequence and biophysical properties (such as structural, functional, and spatial information, amino acid conservation, physicochemical variation, residue mobility, and thermodynamic stability) has been performed for this missense variant. However, the output from this modeling did not meet the statistical confidence thresholds required to predict the impact of this variant on TBC1D24 protein function. In summary, the available evidence is currently insufficient to determine the role of this variant in disease. Therefore, it has been classified as a Variant of Uncertain Significance.

NM_001199107.2(TBC1D24):c.1497G>A (p.Met499Ile)

Gene: TBC1D24 (TBC1 domain family member 24; plus strand). Cytogenetic location: 16p13.3.
Variant type: single nucleotide variant.
Coding change: c.1497G>A on transcript NM_001199107.2 (MANE Select); coding-DNA position 1497, G replaced by A.
Protein change: p.Met499Ile; replaces methionine 499 with isoleucine.
Molecular consequence: missense variant.
Genome position (GRCh38, 1-based): chr16:2,500,462, G>A. VCF-style: chr16-2500462-G-A. GRCh37 (hg19) VCF-style: chr16-2550463-G-A.
Other names: c.1479G>A, p.Met493Ile (NM_020705.3); short protein forms M493I, M499I.
Identifiers: ClinVar variation 969282 (VCV000969282.10), dbSNP rs1403522004, ClinGen allele CA394381254.